The following is an entry in ClinVar:

ClinVar aggregate classification (germline): Benign/Likely benign. Review status: criteria provided, multiple submitters, no conflicts (2 of 4 stars). 4 submissions from 4 submitters: Benign (1); Likely benign (2). 1 of the submissions does not count toward it. Last evaluated 2026-04-15.

Conditions:
MHC class II deficiency. Also called: BLS, TYPE II; Bare lymphocyte syndrome 2. Identifiers: Orphanet 572, MedGen C5447452, MONDO:0008855.
RFX5-related disorder. Also called: RFX5-related condition.

Allele frequency attached by ClinVar (database versions not stated): gnomAD exomes 0.00021; ExAC 0.00030; 1000 Genomes Project 0.00040; 1000 Genomes Project 30x 0.00062; TOPMed 0.00103; gnomAD 0.00106 and 0.00112; ESP Exome Variant Server 0.00146.
gnomAD v4.1: 259 of 1,613,950 alleles (0.016%); highest among the groups gnomAD compares: African/African-American, 0.31%; no homozygotes.

Submissions (4):

Women's Health and Genetics/Laboratory Corporation of America, LabCorp
Classification: Likely benign. Last evaluated: 2026-04-15. Review status: criteria provided, single submitter. Criteria: LabCorp Variant Classification Summary - May 2015. Collection method: clinical testing. Allele origin: germline.

Labcorp Genetics (formerly Invitae), Labcorp
Classification: Benign for MHC class II deficiency. Last evaluated: 2026-01-23. Review status: criteria provided, single submitter. Criteria: Invitae Variant Classification Sherloc (09022015). Collection method: clinical testing. Allele origin: germline.

Blueprint Genetics
Classification: Likely benign. Last evaluated: 2024-08-06. Review status: criteria provided, single submitter. Criteria: ACMG Guidelines, 2015. Collection method: clinical testing. Allele origin: germline.

PreventionGenetics, part of Exact Sciences
Classification: Likely benign for RFX5-related condition. Last evaluated: 2019-11-25. Review status: no assertion criteria provided. Collection method: clinical testing. Allele origin: germline. Not counted in ClinVar's aggregate classification.
Comment: This variant is classified as likely benign based on ACMG/AMP sequence variant interpretation guidelines (Richards et al. 2015 PMID: 25741868, with internal and published modifications).

NM_001025603.2(RFX5):c.222T>G (p.Thr74=)

Gene: RFX5 (regulatory factor X5; minus strand). Cytogenetic location: 1q21.3.
Variant type: single nucleotide variant.
Coding change: c.222T>G on transcript NM_001025603.2 (MANE Select); coding-DNA position 222, T replaced by G.
Protein change: p.Thr74=; no amino-acid change (threonine 74 retained).
Molecular consequence: synonymous variant.
Genome position (GRCh38, 1-based): chr1:151,345,117, A>C on the plus strand (T>G on the coding strand, the complement: RFX5 is on the minus strand). VCF-style: chr1-151345117-A-C. GRCh37 (hg19) VCF-style: chr1-151317593-A-C.
Other names: c.222T>G, p.Thr74= (NM_000449.4, NM_001379412.1, NM_001379413.1 and 7 more transcripts).
Identifiers: ClinVar variation 720155 (VCV000720155.15), dbSNP rs145198853, ClinGen allele CA1089906.
Genomic context (GRCh38, chr1:151,345,117, plus strand): 5'-TTCTCTAAGAATCAGAACCTCTGCCATCTAAAACTACTATCAAACCTACCTTTTGTCTCC[A>C]GTGGTGGGTCCTGAGGGGAGCTGAAGGTAGAGATACAGCTTGTCATTGTCAGAAAATTTC-3'
Protein context (NP_001020774.1, residues 64-84): LYLQLPSGPT[Thr74=]GDKSSEPSTL